The following is an entry in ClinVar:

ClinVar aggregate classification (germline): Likely benign (1 of 4 stars; one submission).

Allele frequency attached by ClinVar (database versions not stated): gnomAD exomes below 0.00001.
gnomAD v4.1: 2 of 1,323,040 alleles (0.00015%); highest among the groups gnomAD compares: Non-Finnish European, 0.00019%; no homozygotes.

Submission:

GeneDx
Classification: Likely benign. Last evaluated: 2018-06-06. Review status: criteria provided, single submitter. Criteria: GeneDx Variant Classification (06012015). Collection method: clinical testing. Allele origin: germline. Affected: yes.
Comment: This variant is considered likely benign or benign based on one or more of the following criteria: it is a conservative change, it occurs at a poorly conserved position in the protein, it is predicted to be benign by multiple in silico algorithms, and/or has population frequency not consistent with disease.

NM_017617.5(NOTCH1):c.-6G>T

Genes: NOTCH1 (notch receptor 1; minus strand), LOC130003020 (ATAC-STARR-seq lymphoblastoid silent region 20528; plus strand). Cytogenetic location: 9q34.3.
Variant type: single nucleotide variant.
Coding change: c.-6G>T on transcript NM_017617.5 (MANE Select); 6 bases upstream of the start codon, G replaced by T.
Molecular consequence: 5 prime UTR variant.
Genome position (GRCh38, 1-based): chr9:136,545,792, C>A on the plus strand (G>T on the coding strand, the complement: NOTCH1 is on the minus strand). VCF-style: chr9-136545792-C-A. GRCh37 (hg19) VCF-style: chr9-139440244-C-A.
Identifiers: ClinVar variation 669205 (VCV000669205.1), dbSNP rs1589085071, ClinGen allele CA915945814.
Genomic context (GRCh38, chr9:136,545,792, plus strand): 5'-CGGCGAGCGCGGGCAGCAGCGCCAGGCAGAGCAGGGGCGCCAGGAGCGGCGGCATGCCTC[C>A]CCACCGGCTGCCCTCTGCGCCCGGGCGGCGGCCTCCTGCGCTGGCCGGCGGGGCTGGGAC-3'